The following is an entry in ClinVar:

NM_001099274.3(TINF2):c.507+6G>A

Gene: TINF2 (TERF1 interacting nuclear factor 2; minus strand). Cytogenetic location: 14q12.
Variant type: single nucleotide variant.
Coding change: c.507+6G>A on transcript NM_001099274.3 (MANE Select); 6 bases into the intron after coding-DNA position 507, G replaced by A.
Molecular consequence: intron variant.
Genome position (GRCh38, 1-based): chr14:24,241,198, C>T on the plus strand (G>A on the coding strand, the complement: TINF2 is on the minus strand). VCF-style: chr14-24241198-C-T. GRCh37 (hg19) VCF-style: chr14-24710404-C-T.
Other names: c.507+6G>A (NM_012461.3); c.402+6G>A (NM_001363668.2).
Identifiers: ClinVar variation 846889 (VCV000846889.15), dbSNP rs142144996, ClinGen allele CA7130643.

ClinVar aggregate classification (germline): Conflicting classifications of pathogenicity. Review status: criteria provided, conflicting classifications (1 of 4 stars). 5 submissions from 5 submitters: Uncertain significance (3); Likely benign (1). 1 of the submissions does not count toward it. Last evaluated 2025-12-29.

Conditions:
TINF2-related disorder. Also called: TINF2-related condition.
Dyskeratosis congenita. Identifiers: Orphanet 1775, MedGen C0265965, MONDO:0015780.

Allele frequency attached by ClinVar (database versions not stated): gnomAD exomes 0.00003 and 0.00005; ESP Exome Variant Server 0.00008; ExAC 0.00009; gnomAD 0.00019 and 0.00020; 1000 Genomes Project 0.00020; TOPMed 0.00021; 1000 Genomes Project 30x 0.00031.

Submissions (5):

Center for Genomic Medicine, Rigshospitalet, Copenhagen University Hospital
Classification: Uncertain significance. Last evaluated: 2025-12-29. Review status: criteria provided, single submitter. Criteria: ACMG Guidelines, 2015. Collection method: clinical testing. Allele origin: germline.

Labcorp Genetics (formerly Invitae), Labcorp
Classification: Uncertain significance for Dyskeratosis congenita. Last evaluated: 2025-12-16. Review status: criteria provided, single submitter. Criteria: Invitae Variant Classification Sherloc (09022015). Collection method: clinical testing. Allele origin: germline.
Comment: This sequence change falls in intron 4 of the TINF2 gene. It does not directly change the encoded amino acid sequence of the TINF2 protein. It affects a nucleotide within the consensus splice site. This variant is present in population databases (rs142144996, gnomAD 0.05%). This variant has not been reported in the literature in individuals affected with TINF2-related conditions. ClinVar contains an entry for this variant (Variation ID: 846889). Variants that disrupt the consensus splice site are a relatively common cause of aberrant splicing (PMID: 17576681, 9536098). Algorithms developed to predict the effect of sequence changes on RNA splicing suggest that this variant is not likely to affect RNA splicing. In summary, the available evidence is currently insufficient to determine the role of this variant in disease. Therefore, it has been classified as a Variant of Uncertain Significance.

Blueprint Genetics
Classification: Likely benign. Last evaluated: 2022-10-24. Review status: criteria provided, single submitter. Criteria: ACMG Guidelines, 2015. Collection method: clinical testing. Allele origin: germline.

Genetic Services Laboratory, University of Chicago
Classification: Uncertain significance. Last evaluated: 2020-12-18. Review status: criteria provided, single submitter. Criteria: ACMG Guidelines, 2015. Collection method: clinical testing. Allele origin: germline. Affected: no.
Comment: This change does not appear to have been previously described in patients with TINF2-related disorders and has been described in the gnomAD with a low population frequency of 0.050% in the African sub population (dbSNP rs142144996). This sequence change is not clearly predicted to have a deleterious effect on splicing based on in silico splice prediction programs. It is possible that this sequence change represents a benign sequence change in the TINF2 gene that has not been identified to date. The functional significance of this sequence change is not known at present and its contribution to this patient's disease phenotype cannot definitively be determined.

PreventionGenetics, part of Exact Sciences
Classification: Likely benign for TINF2-related condition. Last evaluated: 2022-01-21. Review status: no assertion criteria provided. Collection method: clinical testing. Allele origin: germline. Not counted in ClinVar's aggregate classification.
Comment: This variant is classified as likely benign based on ACMG/AMP sequence variant interpretation guidelines (Richards et al. 2015 PMID: 25741868, with internal and published modifications).

Literature cited by the submitters: PubMed 17576681 (cited by Labcorp Genetics (formerly Invitae), Labcorp); PubMed 9536098 (cited by Labcorp Genetics (formerly Invitae), Labcorp).